The following is an entry in ClinVar:

ClinVar aggregate classification (germline): Uncertain significance (1 of 4 stars; one submission).

Submission:

Labcorp Genetics (formerly Invitae), Labcorp
Classification: Uncertain significance. Last evaluated: 2026-01-11. Review status: criteria provided, single submitter. Criteria: Invitae Variant Classification Sherloc (09022015). Collection method: clinical testing. Allele origin: germline.
Comment: This sequence change replaces glutamic acid, which is acidic and polar, with glycine, which is neutral and non-polar, at codon 1575 of the VCAN protein (p.Glu1575Gly). This variant is not present in population databases (gnomAD no frequency). This variant has not been reported in the literature in individuals affected with VCAN-related conditions. An algorithm developed to predict the effect of missense changes on protein structure and function outputs the following: PolyPhen-2: "Benign". The glycine amino acid residue is found in multiple mammalian species, which suggests that this missense change does not adversely affect protein function. In summary, the available evidence is currently insufficient to determine the role of this variant in disease. Therefore, it has been classified as a Variant of Uncertain Significance.

NM_004385.5(VCAN):c.4724A>G (p.Glu1575Gly)

Genes: VCAN (versican; plus strand), VCAN-AS1 (VCAN antisense RNA 1; minus strand). Cytogenetic location: 5q14.3.
Variant type: single nucleotide variant.
Coding change: c.4724A>G on transcript NM_004385.5 (MANE Select); coding-DNA position 4724, A replaced by G.
Protein change: p.Glu1575Gly; replaces glutamic acid 1575 with glycine.
Molecular consequence: missense variant. On other transcripts: intron variant (2).
Genome position (GRCh38, 1-based): chr5:83,537,727, A>G. VCF-style: chr5-83537727-A-G. GRCh37 (hg19) VCF-style: chr5-82833546-A-G.
Other names: c.1763A>G, p.Glu588Gly (NM_001164097.2); c.4004-7810A>G (NM_001164098.2); c.1043-7810A>G (NM_001126336.3); short protein forms E588G, E1575G.
Identifiers: ClinVar variation 4734015 (VCV004734015.1).
Genomic context (GRCh38, chr5:83,537,727, plus strand): 5'-AAGAATCTCAGAAAATAGCCTTTGCAAGGGCTACAGAAGTAACATTTGGTGAAGAGGTAG[A>G]AAAAAGTACTTCTGTCACATACACTCCCACTATAGTTCCAAGTTCTGCATCAGCATATGT-3'
Protein context (NP_004376.2, residues 1565-1585): ATEVTFGEEV[Glu1575Gly]KSTSVTYTPT